The following is an entry in ClinVar:

NM_030957.4(ADAMTS10):c.277C>T (p.Arg93Cys)

Gene: ADAMTS10 (ADAM metallopeptidase with thrombospondin type 1 motif 10; minus strand). Cytogenetic location: 19p13.2.
Variant type: single nucleotide variant.
Coding change: c.277C>T on transcript NM_030957.4 (MANE Select); coding-DNA position 277, C replaced by T.
Protein change: p.Arg93Cys; replaces arginine 93 with cysteine.
Molecular consequence: missense variant.
Genome position (GRCh38, 1-based): chr19:8,605,170, G>A on the plus strand (C>T on the coding strand, the complement: ADAMTS10 is on the minus strand). VCF-style: chr19-8605170-G-A. GRCh37 (hg19) VCF-style: chr19-8670055-G-A.
Other names: p.Arg93Cys; c.277C>T (NM_030957.2); short protein forms R93C.
Identifiers: ClinVar variation 1000922 (VCV001000922.7), dbSNP rs1474147548, ClinGen allele CA403757586.

ClinVar aggregate classification (germline): Uncertain significance. Review status: criteria provided, multiple submitters, no conflicts (2 of 4 stars). 3 submissions from 3 submitters: Uncertain significance (3). Last evaluated 2025-07-10.

Conditions:
Inborn genetic diseases. Identifiers: MedGen C0950123, MeSH D030342.

Allele frequency attached by ClinVar (database versions not stated): gnomAD exomes 0.00003 and 0.00001; TOPMed 0.00003.

Submissions (3):

Mayo Clinic Laboratories, Mayo Clinic
Classification: Uncertain significance. Last evaluated: 2025-07-10. Review status: criteria provided, single submitter. Criteria: ACMG Guidelines, 2015. Collection method: clinical testing. Allele origin: germline. Observed: 1 variant allele.
Comment: BP4, PP2

Ambry Genetics
Classification: Uncertain significance for Inborn genetic diseases. Last evaluated: 2024-01-09. Review status: criteria provided, single submitter. Criteria: Ambry Variant Classification Scheme 2023. Collection method: clinical testing. Allele origin: germline.

Labcorp Genetics (formerly Invitae), Labcorp
Classification: Uncertain significance. Last evaluated: 2022-05-07. Review status: criteria provided, single submitter. Criteria: Invitae Variant Classification Sherloc (09022015). Collection method: clinical testing. Allele origin: germline.
Comment: This sequence change replaces arginine, which is basic and polar, with cysteine, which is neutral and slightly polar, at codon 93 of the ADAMTS10 protein (p.Arg93Cys). This variant is present in population databases (no rsID available, gnomAD 0.009%). This variant has not been reported in the literature in individuals affected with ADAMTS10-related conditions. ClinVar contains an entry for this variant (Variation ID: 1000922). Algorithms developed to predict the effect of missense changes on protein structure and function (SIFT, PolyPhen-2, Align-GVGD) all suggest that this variant is likely to be disruptive. In summary, the available evidence is currently insufficient to determine the role of this variant in disease. Therefore, it has been classified as a Variant of Uncertain Significance.